The following is an entry in ClinVar:

ClinVar aggregate classification (germline): Benign. Review status: criteria provided, multiple submitters, no conflicts (2 of 4 stars). 3 submissions from 3 submitters: Benign (2). 1 of the submissions does not count toward it. Last evaluated 2019-12-31.

Conditions:
DNAH2-related disorder. Also called: DNAH2-related condition.

Allele frequency attached by ClinVar (database versions not stated): gnomAD exomes 0.00298; ExAC 0.00311; 1000 Genomes Project 0.00379; 1000 Genomes Project 30x 0.00515; gnomAD 0.00663 and 0.00715; TOPMed 0.00712; ESP Exome Variant Server 0.00730.
gnomAD v4.1: 3,291 of 1,614,080 alleles (0.2%); highest among the groups gnomAD compares: African/African-American, 1.6%; 16 homozygotes.

Submissions (3):

Labcorp Genetics (formerly Invitae), Labcorp
Classification: Benign. Last evaluated: 2019-12-31. Review status: criteria provided, single submitter. Criteria: Invitae Variant Classification Sherloc (09022015). Collection method: clinical testing. Allele origin: germline.

Breakthrough Genomics
Classification: Benign. Review status: criteria provided, single submitter. Criteria: ACMG Guidelines, 2015. Collection method: not provided. Allele origin: germline. Inheritance: Autosomal recessive inheritance. Affected: yes.

PreventionGenetics, part of Exact Sciences
Classification: Benign for DNAH2-related condition. Last evaluated: 2019-06-25. Review status: no assertion criteria provided. Collection method: clinical testing. Allele origin: germline. Not counted in ClinVar's aggregate classification.
Comment: This variant is classified as benign based on ACMG/AMP sequence variant interpretation guidelines (Richards et al. 2015 PMID: 25741868, with internal and published modifications).

NM_020877.5(DNAH2):c.3717C>A (p.Asp1239Glu)

Gene: DNAH2 (dynein axonemal heavy chain 2; plus strand). Cytogenetic location: 17p13.1.
Variant type: single nucleotide variant.
Coding change: c.3717C>A on transcript NM_020877.5 (MANE Select); coding-DNA position 3717, C replaced by A.
Protein change: p.Asp1239Glu; replaces aspartic acid 1239 with glutamic acid.
Molecular consequence: missense variant.
Genome position (GRCh38, 1-based): chr17:7,767,941, C>A. VCF-style: chr17-7767941-C-A. GRCh37 (hg19) VCF-style: chr17-7671259-C-A.
Other names: short protein forms D1239E.
Identifiers: ClinVar variation 787991 (VCV000787991.7), dbSNP rs146539788, ClinGen allele CA8356878.